The following is an entry in ClinVar:

ClinVar aggregate classification (germline): Conflicting classifications of pathogenicity. Review status: criteria provided, conflicting classifications (1 of 4 stars). 2 submissions from 2 submitters: Uncertain significance (1); Likely benign (1). Last evaluated 2025-03-07.

Conditions:
Inborn genetic diseases. Identifiers: MedGen C0950123, MeSH D030342.

gnomAD v4.1: 2 of 1,610,942 alleles (0.00012%); highest among the groups gnomAD compares: Non-Finnish European, 0.00017%; no homozygotes.

Submissions (2):

Ambry Genetics
Classification: Likely benign for Inborn genetic diseases. Last evaluated: 2025-03-07. Review status: criteria provided, single submitter. Criteria: Ambry Variant Classification Scheme 2023. Collection method: clinical testing. Allele origin: germline.

CeGaT Center for Human Genetics Tuebingen
Classification: Uncertain significance. Last evaluated: 2024-12-01. Review status: criteria provided, single submitter. Criteria: CeGaT Center For Human Genetics Tuebingen Variant Classification Criteria Version 2. Collection method: clinical testing. Allele origin: germline. Affected: yes. Observed: 1 variant allele.
Comment: VPS13A: PM2, BP4

NM_033305.3(VPS13A):c.5029G>A (p.Glu1677Lys)

Gene: VPS13A (vacuolar protein sorting 13 homolog A; plus strand). Cytogenetic location: 9q21.2.
Variant type: single nucleotide variant.
Coding change: c.5029G>A on transcript NM_033305.3 (MANE Select); coding-DNA position 5029, G replaced by A.
Protein change: p.Glu1677Lys; replaces glutamic acid 1677 with lysine.
Molecular consequence: missense variant.
Genome position (GRCh38, 1-based): chr9:77,318,307, G>A. VCF-style: chr9-77318307-G-A. GRCh37 (hg19) VCF-style: chr9-79933223-G-A.
Other names: c.4912G>A, p.Glu1638Lys (NM_001018037.2); c.5029G>A, p.Glu1677Lys (NM_001018038.3, NM_015186.4); c.5029G>A (NM_033305.2); short protein forms E1638K, E1677K.
Identifiers: ClinVar variation 3772059 (VCV003772059.14).